The following is an entry in ClinVar:

NM_001854.4(COL11A1):c.1688C>A (p.Pro563His)

Gene: COL11A1 (collagen type XI alpha 1 chain; minus strand). Cytogenetic location: 1p21.1.
Variant type: single nucleotide variant.
Coding change: c.1688C>A on transcript NM_001854.4 (MANE Select); coding-DNA position 1688, C replaced by A.
Protein change: p.Pro563His; replaces proline 563 with histidine.
Molecular consequence: missense variant. On other transcripts: non-coding transcript variant (1).
Genome position (GRCh38, 1-based): chr1:103,006,311, G>T on the plus strand (C>A on the coding strand, the complement: COL11A1 is on the minus strand). VCF-style: chr1-103006311-G-T. GRCh37 (hg19) VCF-style: chr1-103471867-G-T.
Other names: c.1571C>A, p.Pro524His (NM_001190709.2); c.1724C>A, p.Pro575His (NM_080629.3); c.1340C>A, p.Pro447His (NM_080630.4); short protein forms P447H, P524H, P563H, P575H.
Identifiers: ClinVar variation 1309685 (VCV001309685.2), dbSNP rs2101854756, ClinGen allele CA341175225.

ClinVar aggregate classification (germline): Uncertain significance (1 of 4 stars; one submission).

Submission:

GeneDx
Classification: Uncertain significance. Last evaluated: 2019-11-05. Review status: criteria provided, single submitter. Criteria: GeneDx Variant Classification Process June 2021. Collection method: clinical testing. Allele origin: germline. Affected: yes.
Comment: Not observed in large population cohorts (Lek et al., 2016); In silico analysis, which includes protein predictors and evolutionary conservation, supports a deleterious effect; Has not been previously published as pathogenic or benign to our knowledge